The following is an entry in ClinVar:

ClinVar aggregate classification (germline): Uncertain significance (1 of 4 stars; one submission).

Conditions:
Inborn genetic diseases. Identifiers: MedGen C0950123, MeSH D030342.

Submission:

Ambry Genetics
Classification: Uncertain significance for Inborn genetic diseases. Last evaluated: 2026-01-06. Review status: criteria provided, single submitter. Criteria: Ambry Variant Classification Scheme 2023. Collection method: clinical testing. Allele origin: germline.
Comment: The p.H813N variant (also known as c.2437C>A), located in coding exon 14 of the RECQL4 gene, results from a C to A substitution at nucleotide position 2437. The histidine at codon 813 is replaced by asparagine, an amino acid with similar properties. This amino acid position is conserved. Based on the available evidence, the clinical significance of this variant remains unclear.

NM_004260.4(RECQL4):c.2437C>A (p.His813Asn)

Gene: RECQL4 (RecQ like helicase 4; minus strand). Cytogenetic location: 8q24.3.
Variant type: single nucleotide variant.
Coding change: c.2437C>A on transcript NM_004260.4 (MANE Select); coding-DNA position 2437, C replaced by A.
Protein change: p.His813Asn; replaces histidine 813 with asparagine.
Molecular consequence: missense variant. On other transcripts: non-coding transcript variant (3), intron variant (3).
Genome position (GRCh38, 1-based): chr8:144,513,244, G>T on the plus strand (C>A on the coding strand, the complement: RECQL4 is on the minus strand). VCF-style: chr8-144513244-G-T. GRCh37 (hg19) VCF-style: chr8-145738627-G-T.
Other names: c.2437C>A, p.His813Asn (NM_001413019.1, NM_001413036.1); c.2341C>A, p.His781Asn (NM_001413020.1); c.1366C>A, p.His456Asn (NM_001413021.1, NM_001413022.1, NM_001413023.1 and 5 more transcripts); c.2308C>A, p.His770Asn (NM_001413025.1); c.1300C>A, p.His434Asn (NM_001413027.1, NM_001413030.1, NM_001413032.1 and 1 more transcripts); c.2086C>A, p.His696Asn (NM_001413029.1); c.1168C>A, p.His390Asn (NM_001413031.1); c.2305C>A, p.His769Asn (NM_001413033.1); and 7 more; short protein forms H324N, H412N, H696N, H769N, H770N, H434N, H446N, H781N.
Identifiers: ClinVar variation 4841573 (VCV004841573.1).
Genomic context (GRCh38, chr8:144,513,244, plus strand): 5'-GAGCACTGGCAGTGTGGGGGGGGGGGGTGCCAACCTGGGGCTGCAGGAAGAGGTGGCAGT[G>T]GGCAGGCTGCCCGTCACGCCCGGCCCGGCCCACGGCCTGCACGTAGCTCTCGAAGCTTGG-3'
Protein context (NP_004251.4, residues 803-823): GRAGRDGQPA[His813Asn]CHLFLQPQGE